The following is an entry in ClinVar:

ClinVar aggregate classification (germline): Benign (1 of 4 stars; one submission).

Conditions:
Familial cancer of breast. Also called: Hereditary breast cancer; hereditary breast carcinoma; BREAST CANCER, FAMILIAL. Identifiers: Orphanet 227535, MedGen C0346153, MONDO:0016419, OMIM 114480. Disease mechanism: loss of function.

gnomAD v4.1: 1 of 1,614,104 alleles (0.000062%); no homozygotes.

Submission:

Myriad Genetics, Inc.
Classification: Benign for Familial cancer of breast. Last evaluated: 2025-01-10. Review status: criteria provided, single submitter. Criteria: Myriad Autosomal Dominant, Autosomal Recessive and X-Linked Classification Criteria (2023). Collection method: clinical testing. Allele origin: unknown.
Comment: This variant is considered benign. This variant is a silent/synonymous amino acid change and it is not expected to impact splicing.

NM_024675.4(PALB2):c.735G>C (p.Ala245=)

Gene: PALB2 (partner and localizer of BRCA2; minus strand). Cytogenetic location: 16p12.2.
Variant type: single nucleotide variant.
Coding change: c.735G>C on transcript NM_024675.4 (MANE Select); coding-DNA position 735, G replaced by C.
Protein change: p.Ala245=; no amino-acid change (alanine 245 retained).
Molecular consequence: synonymous variant. On other transcripts: intron variant (3), 5 prime UTR variant (8).
Genome position (GRCh38, 1-based): chr16:23,635,811, C>G on the plus strand (G>C on the coding strand, the complement: PALB2 is on the minus strand). VCF-style: chr16-23635811-C-G. GRCh37 (hg19) VCF-style: chr16-23647132-C-G.
Other names: c.48+5299G>C (NM_001407314.1); c.-105+5299G>C (NM_001407313.1, NM_001407312.1); c.675G>C, p.Ala225= (NM_001407296.1); c.735G>C, p.Ala245= (NM_001407297.1, NM_001407298.1, NM_001407299.1 and 3 more transcripts); c.-151G>C (NM_001407304.1, NM_001407305.1, NM_001407306.1 and 5 more transcripts).
Identifiers: ClinVar variation 3904448 (VCV003904448.1).
Genomic context (GRCh38, chr16:23,635,811, plus strand): 5'-AATGTGTTCAAGGTGCTGACTACTACCGCTATCTGATAGAGTCTGTAAAGGAACTGTAGT[C>G]GCCCTGGTGAAATTAGGTCTTCTTAGGAATGTATCAACACCTTTTTCTGGTTGGGCAGTT-3'
Protein context (NP_078951.2, residues 235-255): TFLRRPNFTR[Ala245=]TTVPLQTLSD